The following is an entry in ClinVar:

ClinVar aggregate classification (germline): Uncertain significance. Review status: criteria provided, multiple submitters, no conflicts (2 of 4 stars). 8 submissions from 8 submitters: Uncertain significance (7). 1 of the submissions does not count toward it. Last evaluated 2026-05-27.

Conditions:
Neuropathy, hereditary sensory and autonomic, type 2A (HSAN2A). Also called: WNK1-Related HSAN2 (HSAN2A); HSAN IIA; ACROOSTEOLYSIS, GIACCAI TYPE; ACROOSTEOLYSIS, NEUROGENIC; MORVAN DISEASE; NEUROPATHY, CONGENITAL SENSORY. Identifiers: Orphanet 970, MedGen C2752089, MONDO:0024309, OMIM 201300.
Generalized epilepsy with febrile seizures plus, type 7 (GEFSP7). Also called: GEFS+, TYPE 7. Identifiers: Orphanet 36387, MedGen C2751778, MONDO:0013470, OMIM 613863.
Inborn genetic diseases. Identifiers: MedGen C0950123, MeSH D030342.
SCN9A-related disorder. Also called: SCN9A-related disorders; SCN9A-related condition.
Paroxysmal extreme pain disorder (PEXPD). Also called: RECTAL PAIN, FAMILIAL; SCN9A Paroxysmal Extreme Pain Disorder (SCN9A-PEPD); PAIN, SUBMANDIBULAR, OCULAR, AND RECTAL, WITH FLUSHING. Identifiers: Orphanet 46348, MedGen C1833661, MONDO:0008179, OMIM 167400.
Primary erythromelalgia. Also called: primary erythermalgia; SCN9A Erythromelalgia (SCN9A-EM). Identifiers: Orphanet 306577, Orphanet 90026, MedGen C0014805, MONDO:0007571, OMIM 133020.
Channelopathy-associated congenital insensitivity to pain, autosomal recessive. Also called: ASYMBOLIA FOR PAIN; Insensitivity to pain, channelopathy-associated; CONGENITAL ANALGESIA, AUTOSOMAL RECESSIVE. Identifiers: Orphanet 88642, Orphanet 970, MedGen C1855739, MONDO:0009459, OMIM 243000.
Severe myoclonic epilepsy in infancy (DRVT). Also called: Dravet syndrome; Severe Myoclonic Epilepsy in Infancy (SMEI); SEVERE MYOCLONIC EPILEPSY OF INFANCY; DEVELOPMENTAL AND EPILEPTIC ENCEPHALOPATHY 6A; Epileptic encephalopathy, early infantile, 6 (Dravet syndrome). Identifiers: Orphanet 33069, MedGen C0751122, MONDO:0100135, OMIM 607208.
Febrile seizures, familial, 3b (FEB3B). Identifiers: MedGen C3151229, MONDO:0800354.

Allele frequency attached by ClinVar (database versions not stated): ExAC 0.00002; gnomAD 0.00003 and 0.00004; gnomAD exomes 0.00003; TOPMed 0.00005.
gnomAD v4.1: 25 of 1,613,182 alleles (0.0015%); highest among the groups gnomAD compares: Admixed American, 0.01%; no homozygotes.

Submissions (8):

PreventionGenetics, part of Exact Sciences
Classification: Uncertain significance for SCN9A-related condition. Last evaluated: 2026-05-27. Review status: criteria provided, single submitter. Criteria: ACMG Guidelines, 2015. Collection method: clinical testing. Allele origin: germline.
Comment: The SCN9A c.184A>G variant is predicted to result in the amino acid substitution p.Ile62Val. This variant was reported in an individual with febrile seizures (Singh et al 2009. PubMed ID: 19763161). However, this study, and the association of SCN9A with febrile epilepsy was refuted (Fasham J et al 2020. PubMed ID: 33216760). This variant is reported in 0.0058% of alleles in individuals of Latino descent in gnomAD. Although we suspect that this variant may be benign, at this time, the clinical significance of this variant is uncertain due to the absence of conclusive functional and genetic evidence.

Labcorp Genetics (formerly Invitae), Labcorp
Classification: Uncertain significance for Neuropathy, hereditary sensory and autonomic, type 2A; Generalized epilepsy with febrile seizures plus, type 7. Last evaluated: 2026-02-03. Review status: criteria provided, single submitter. Criteria: Invitae Variant Classification Sherloc (09022015). Collection method: clinical testing. Allele origin: germline.
Comment: This sequence change replaces isoleucine, which is neutral and non-polar, with valine, which is neutral and non-polar, at codon 62 of the SCN9A protein (p.Ile62Val). This variant is present in population databases (rs121908920, gnomAD 0.006%). This missense change has been observed in individual(s) with febrile seizures (PMID: 19763161). ClinVar contains an entry for this variant (Variation ID: 6368). Invitae Evidence Modeling of protein sequence and biophysical properties (such as structural, functional, and spatial information, amino acid conservation, physicochemical variation, residue mobility, and thermodynamic stability) indicates that this missense variant is not expected to disrupt SCN9A protein function with a negative predictive value of 95%. In summary, the available evidence is currently insufficient to determine the role of this variant in disease. Therefore, it has been classified as a Variant of Uncertain Significance.

Women's Health and Genetics/Laboratory Corporation of America, LabCorp
Classification: Uncertain significance. Last evaluated: 2025-02-19. Review status: criteria provided, single submitter. Criteria: LabCorp Variant Classification Summary - May 2015. Collection method: clinical testing. Allele origin: germline.
Comment: Variant summary: SCN9A c.184A>G (p.Ile62Val) results in a conservative amino acid change in the encoded protein sequence. Three of five in-silico tools predict a damaging effect of the variant on protein function. The variant allele was found at a frequency of 2.8e-05 in 249608 control chromosomes. The available data on variant occurrences in the general population are insufficient to allow any conclusion about variant significance. c.184A>G has been reported in the literature in an individual affected with febrile seizures (Singh_2009). These report(s) do not provide unequivocal conclusions about association of the variant with Channelopathy-Associated Congenital Insensitivity To Pain, Autosomal Recessive. To our knowledge, no experimental evidence demonstrating an impact on protein function has been reported. The following publication have been ascertained in the context of this evaluation (PMID: 19763161). ClinVar contains an entry for this variant (Variation ID: 6368). Based on the evidence outlined above, the variant was classified as uncertain significance.

Blueprint Genetics
Classification: Uncertain significance. Last evaluated: 2024-10-01. Review status: criteria provided, single submitter. Criteria: ACMG Guidelines, 2015. Collection method: clinical testing. Allele origin: germline.

Ambry Genetics
Classification: Uncertain significance for Inborn genetic diseases. Last evaluated: 2020-03-20. Review status: criteria provided, single submitter. Criteria: Ambry Variant Classification Scheme 2023. Collection method: clinical testing. Allele origin: germline.
Comment: The p.I62V variant (also known as c.184A>G), located in coding exon 1 of the SCN9A gene, results from an A to G substitution at nucleotide position 184. The isoleucine at codon 62 is replaced by valine, an amino acid with highly similar properties. This variant has been detected in an individual with febrile seizures (Singh NA et al. PLoS Genet, 2009 Sep;5:e1000649). This amino acid position is well conserved in available vertebrate species; however, valine is the reference amino acid in other vertebrate species. In addition, this alteration is predicted to be deleterious by in silico analysis. Since supporting evidence is limited at this time, the clinical significance of this alteration remains unclear.

Fulgent Genetics
Classification: Uncertain significance for Primary erythromelalgia; Paroxysmal extreme pain disorder; Neuropathy, hereditary sensory and autonomic, type 2A; Channelopathy-associated congenital insensitivity to pain, autosomal recessive; Severe myoclonic epilepsy in infancy; Generalized epilepsy with febrile seizures plus, type 7. Last evaluated: 2018-10-31. Review status: criteria provided, single submitter. Criteria: ACMG Guidelines, 2015. Collection method: clinical testing. Allele origin: unknown.

GeneDx
Classification: Uncertain significance. Last evaluated: 2016-03-22. Review status: criteria provided, single submitter. Criteria: GeneDx Variant Classification (06012015). Collection method: clinical testing. Allele origin: germline. Affected: yes.
Comment: The patient was a heterozygous carrier of this variant; however, family studies were not performed. The I62V variant was not identified in 276 ethnically matched control chromosomes (Singh et al., 2009). The I62V variant was not observed in approximately 6,400 individuals of European and African American ancestry in the NHLBI Exome Sequencing Project, indicating it is not a common benign variant in these populations. The I62V variant is a conservative amino acid substitution, which is not likely to impact secondary protein structure as these residues share similar properties. However, this substitution occurs at a position that is conserved across species, and in silico analysis predicts this variant is probably damaging to the protein structure/function. Therefore, based on the currently available information, it is unclear whether this variant is a pathogenic variant or a rare benign variant.

OMIM
Classification: Uncertain significance for RECLASSIFIED - VARIANT OF UNKNOWN SIGNIFICANCE. Last evaluated: 2009-09-01. Review status: no assertion criteria provided. Collection method: literature only. Allele origin: germline. Not counted in ClinVar's aggregate classification.

Literature cited by the submitters: PubMed 19763161 (cited by 4 submitters); PubMed 33216760 (cited by OMIM).

NM_001365536.1(SCN9A):c.184A>G (p.Ile62Val)

Gene: SCN9A (sodium voltage-gated channel alpha subunit 9; minus strand). Cytogenetic location: 2q24.3.
Variant type: single nucleotide variant.
Coding change: c.184A>G on transcript NM_001365536.1 (MANE Select); coding-DNA position 184, A replaced by G.
Protein change: p.Ile62Val; replaces isoleucine 62 with valine.
Molecular consequence: missense variant.
Genome position (GRCh38, 1-based): chr2:166,311,573, T>C on the plus strand (A>G on the coding strand, the complement: SCN9A is on the minus strand). VCF-style: chr2-166311573-T-C. GRCh37 (hg19) VCF-style: chr2-167168083-T-C.
Other names: c.184A>G, p.Ile62Val (NM_002977.4); short protein forms I62V.
Identifiers: ClinVar variation 6368 (VCV000006368.21), dbSNP rs121908920, ClinGen allele CA118170.
Genomic context (GRCh38, chr2:166,311,573, plus strand): 5'-AGTAGGGGTCCAAGTCCTCCAGGGGCTCTGACACCATGCCGGGAGGAATGTCCCCATAGA[T>C]GAAGGGCAGCTGTTTGCCAGCTTCCAAGTCACTGCTTGGCTTTGGGGCTTCTTCATCATC-3'
Protein context (NP_001352465.1, residues 52-72): DLEAGKQLPF[Ile62Val]YGDIPPGMVS